The following is an entry in ClinVar:

NM_000059.4(BRCA2):c.3712G>T (p.Val1238Leu)

Gene: BRCA2 (BRCA2 DNA repair associated; plus strand). Cytogenetic location: 13q13.1.
Variant type: single nucleotide variant.
Coding change: c.3712G>T on transcript NM_000059.4 (MANE Select); coding-DNA position 3712, G replaced by T.
Protein change: p.Val1238Leu; replaces valine 1238 with leucine.
Molecular consequence: missense variant. On other transcripts: non-coding transcript variant (1), intron variant (2).
Genome position (GRCh38, 1-based): chr13:32,338,067, G>T. VCF-style: chr13-32338067-G-T. GRCh37 (hg19) VCF-style: chr13-32912204-G-T.
Other names: c.3712G>T, p.Val1238Leu (NM_001406719.1, NM_001406720.1, NM_001432077.1); c.1909+4680G>T (NM_001406721.1); c.425-6491G>T (NM_001406722.1); short protein forms V1238L.
Identifiers: ClinVar variation 3368855 (VCV003368855.1).

ClinVar aggregate classification (germline): Uncertain significance (1 of 4 stars; one submission).

Submission:

GeneDx
Classification: Uncertain significance. Last evaluated: 2024-02-05. Review status: criteria provided, single submitter. Criteria: GeneDx Variant Classification Process June 2021. Collection method: clinical testing. Allele origin: germline. Affected: yes.
Comment: Not observed at significant frequency in large population cohorts (gnomAD); In silico analysis supports that this missense variant does not alter protein structure/function; Has not been previously published as pathogenic or benign to our knowledge; Also known as 3940G>T